The following is an entry in ClinVar:

NM_001077350.3(NPRL3):c.760G>A (p.Ala254Thr)

Genes: HBA-LCR (alpha-globin locus control region; plus strand), NPRL3 (NPR3 like, GATOR1 complex subunit; minus strand). Cytogenetic location: 16p13.3.
Variant type: single nucleotide variant.
Coding change: c.760G>A on transcript NM_001077350.3 (MANE Select); coding-DNA position 760, G replaced by A.
Protein change: p.Ala254Thr; replaces alanine 254 with threonine.
Molecular consequence: missense variant.
Genome position (GRCh38, 1-based): chr16:100,379, C>T on the plus strand (G>A on the coding strand, the complement: NPRL3 is on the minus strand). VCF-style: chr16-100379-C-T. GRCh37 (hg19) VCF-style: chr16-150377-C-T.
Other names: c.223G>A, p.Ala75Thr (NM_001039476.3); c.526G>A, p.Ala176Thr (NM_001243247.2); c.685G>A, p.Ala229Thr (NM_001243248.2, NM_001243249.2); short protein forms A254T, A75T, A176T, A229T.
Identifiers: ClinVar variation 2058677 (VCV002058677.4), dbSNP rs772274896, ClinGen allele CA7769563.
Genomic context (GRCh38, chr16:100,379, plus strand): 5'-AGCTAAAGGGAAGGGCCCTGGCAGGGAGTGAGCACGTGGGGCTGGGCACTTACCGGATGG[C>T]TTTCAGGCTCCGTTCGATGGCCTCTGGGGGGATCAGACTGGAGGCCGCATAGTGGATCTT-3'
Protein context (NP_001070818.1, residues 244-264): PPEAIERSLK[Ala254Thr]IRPYHALLLL

ClinVar aggregate classification (germline): Uncertain significance (1 of 4 stars; one submission).

Conditions:
Epilepsy, familial focal, with variable foci 3 (FFEVF3). Identifiers: MedGen C4310708, MONDO:0014925, OMIM 617118.

Allele frequency attached by ClinVar (database versions not stated): TOPMed 0.00001; ExAC 0.00001.
gnomAD v4.1: 1 of 1,545,156 alleles (0.000065%); highest among the groups gnomAD compares: Admixed American, 0.002%; no homozygotes.

Submission:

Labcorp Genetics (formerly Invitae), Labcorp
Classification: Uncertain significance for Epilepsy, familial focal, with variable foci 3. Last evaluated: 2024-04-10. Review status: criteria provided, single submitter. Criteria: Invitae Variant Classification Sherloc (09022015). Collection method: clinical testing. Allele origin: germline.
Comment: This sequence change replaces alanine, which is neutral and non-polar, with threonine, which is neutral and polar, at codon 254 of the NPRL3 protein (p.Ala254Thr). This variant is not present in population databases (gnomAD no frequency). This variant has not been reported in the literature in individuals affected with NPRL3-related conditions. ClinVar contains an entry for this variant (Variation ID: 2058677). Advanced modeling of protein sequence and biophysical properties (such as structural, functional, and spatial information, amino acid conservation, physicochemical variation, residue mobility, and thermodynamic stability) performed at Invitae indicates that this missense variant is not expected to disrupt NPRL3 protein function with a negative predictive value of 80%. In summary, the available evidence is currently insufficient to determine the role of this variant in disease. Therefore, it has been classified as a Variant of Uncertain Significance.